The following is an entry in ClinVar:

ClinVar aggregate classification (germline): Uncertain significance (1 of 4 stars; one submission).

Submission:

Labcorp Genetics (formerly Invitae), Labcorp
Classification: Uncertain significance. Last evaluated: 2025-10-08. Review status: criteria provided, single submitter. Criteria: Invitae Variant Classification Sherloc (09022015). Collection method: clinical testing. Allele origin: germline.
Comment: This sequence change replaces lysine, which is basic and polar, with glutamic acid, which is acidic and polar, at codon 3418 of the PCLO protein (p.Lys3418Glu). This variant is not present in population databases (gnomAD no frequency). This variant has not been reported in the literature in individuals affected with PCLO-related conditions. Experimental studies and prediction algorithms are not available or were not evaluated, and the functional significance of this variant is currently unknown. In summary, the available evidence is currently insufficient to determine the role of this variant in disease. Therefore, it has been classified as a Variant of Uncertain Significance.

NM_033026.6(PCLO):c.10252A>G (p.Lys3418Glu)

Gene: PCLO (piccolo presynaptic cytomatrix protein; minus strand). Cytogenetic location: 7q21.11.
Variant type: single nucleotide variant.
Coding change: c.10252A>G on transcript NM_033026.6 (MANE Select); coding-DNA position 10252, A replaced by G.
Protein change: p.Lys3418Glu; replaces lysine 3418 with glutamic acid.
Molecular consequence: missense variant.
Genome position (GRCh38, 1-based): chr7:82,950,336, T>C on the plus strand (A>G on the coding strand, the complement: PCLO is on the minus strand). VCF-style: chr7-82950336-T-C. GRCh37 (hg19) VCF-style: chr7-82579652-T-C.
Other names: c.10252A>G, p.Lys3418Glu (NM_014510.3); short protein forms K3418E.
Identifiers: ClinVar variation 4762393 (VCV004762393.1).